The following is an entry in ClinVar:

ClinVar aggregate classification (germline): Uncertain significance. Review status: criteria provided, multiple submitters, no conflicts (2 of 4 stars). 4 submissions from 4 submitters: Uncertain significance (3). 1 of the submissions does not count toward it. Last evaluated 2025-11-11.

Conditions:
Juvenile myelomonocytic leukemia (JMML). Also called: LEUKEMIA, JUVENILE MYELOMONOCYTIC, SOMATIC. Identifiers: Orphanet 86834, MedGen C0349639, MONDO:0011908, OMIM 607785, HP:0012209.
Cardiovascular phenotype. Identifiers: MedGen CN230736.
Hereditary cancer-predisposing syndrome. Also called: Neoplastic Syndromes, Hereditary; Hereditary neoplastic syndrome; Hereditary Cancer Syndrome; Tumor predisposition. Identifiers: Orphanet 140162, MedGen C0027672, MeSH D009386, MONDO:0015356.
Neurofibromatosis, type 1 (NF1). Also called: NEUROFIBROMATOSIS, TYPE I, SOMATIC; Neurofibromatosis, type I; VON RECKLINGHAUSEN DISEASE; Peripheral type neurofibromatosis. Identifiers: Orphanet 636, MedGen C0027831, MONDO:0018975, OMIM 162200. Disease mechanism: loss of function.

gnomAD v4.1: 2 of 1,614,160 alleles (0.00012%); highest among the groups gnomAD compares: Non-Finnish European, 0.00017%; no homozygotes.

Submissions (4):

Labcorp Genetics (formerly Invitae), Labcorp
Classification: Uncertain significance for Neurofibromatosis, type 1. Last evaluated: 2025-11-11. Review status: criteria provided, single submitter. Criteria: Invitae Variant Classification Sherloc (09022015). Collection method: clinical testing. Allele origin: germline.
Comment: This sequence change replaces glycine, which is neutral and non-polar, with cysteine, which is neutral and slightly polar, at codon 1216 of the NF1 protein (p.Gly1216Cys). This variant is not present in population databases (gnomAD no frequency). This variant has not been reported in the literature in individuals affected with NF1-related conditions. ClinVar contains an entry for this variant (Variation ID: 591153). Invitae Evidence Modeling of protein sequence and biophysical properties (such as structural, functional, and spatial information, amino acid conservation, physicochemical variation, residue mobility, and thermodynamic stability) indicates that this missense variant is expected to disrupt NF1 protein function with a positive predictive value of 95%. In summary, the available evidence is currently insufficient to determine the role of this variant in disease. Therefore, it has been classified as a Variant of Uncertain Significance.

Ambry Genetics
Classification: Uncertain significance for Cardiovascular phenotype; Hereditary cancer-predisposing syndrome. Last evaluated: 2025-10-03. Review status: criteria provided, single submitter. Criteria: Ambry Variant Classification Scheme 2023. Collection method: clinical testing. Allele origin: germline.
Comment: The p.G1216C variant (also known as c.3646G>T), located in coding exon 27 of the NF1 gene, results from a G to T substitution at nucleotide position 3646. The glycine at codon 1216 is replaced by cysteine, an amino acid with highly dissimilar properties. This amino acid position is highly conserved in available vertebrate species. In addition, this alteration is predicted to be deleterious by in silico analysis. Since supporting evidence is limited at this time, the clinical significance of this alteration remains unclear.

Baylor Genetics
Classification: Uncertain significance for Juvenile myelomonocytic leukemia. Last evaluated: 2023-05-17. Review status: criteria provided, single submitter. Criteria: ACMG Guidelines, 2015. Collection method: clinical testing. Allele origin: unknown.

Gharavi Laboratory, Columbia University
Classification: Uncertain significance. Last evaluated: 2018-09-16. Review status: no assertion criteria provided. Criteria: ACMG Guidelines, 2015. Collection method: research. Allele origin: germline. Affected: yes. Not counted in ClinVar's aggregate classification.

NM_001042492.3(NF1):c.3646G>T (p.Gly1216Cys)

Gene: NF1 (neurofibromin 1; plus strand). Cytogenetic location: 17q11.2.
Variant type: single nucleotide variant.
Coding change: c.3646G>T on transcript NM_001042492.3 (MANE Select); coding-DNA position 3646, G replaced by T.
Protein change: p.Gly1216Cys; replaces glycine 1216 with cysteine.
Molecular consequence: missense variant.
Genome position (GRCh38, 1-based): chr17:31,233,151, G>T. VCF-style: chr17-31233151-G-T. GRCh37 (hg19) VCF-style: chr17-29560169-G-T.
Other names: c.3646G>T, p.Gly1216Cys (NM_000267.4); short protein forms G1216C.
Identifiers: ClinVar variation 591153 (VCV000591153.10), dbSNP rs1567851424, ClinGen allele CA398990439.